The following is an entry in ClinVar:

ClinVar aggregate classification (germline): Uncertain significance (1 of 4 stars; one submission).

Conditions:
Neurofibromatosis, type 1 (NF1). Also called: Peripheral type neurofibromatosis; VON RECKLINGHAUSEN DISEASE; NEUROFIBROMATOSIS, TYPE I, SOMATIC; Neurofibromatosis, type I. Identifiers: Orphanet 636, MedGen C0027831, MONDO:0018975, OMIM 162200. Disease mechanism: loss of function.

Submissions (2):

Labcorp Genetics (formerly Invitae), Labcorp
Classification: Uncertain significance for Neurofibromatosis, type 1. Last evaluated: 2024-06-25. Review status: criteria provided, single submitter. Criteria: Invitae Variant Classification Sherloc (09022015). Collection method: clinical testing. Allele origin: germline.
Comment: This sequence change affects codon 2771 of the NF1 mRNA. It is a 'silent' change, meaning that it does not change the encoded amino acid sequence of the NF1 protein. It affects a nucleotide within the consensus splice site. This variant is not present in population databases (gnomAD no frequency). This variant has not been reported in the literature in individuals affected with NF1-related conditions. Algorithms developed to predict the effect of sequence changes on RNA splicing suggest that this variant may disrupt the consensus splice site. In summary, the available evidence is currently insufficient to determine the role of this variant in disease. Therefore, it has been classified as a Variant of Uncertain Significance.

Dr. Peter K. Rogan Lab, Western University
No classification provided (evidence only). Condition: Uterine corpus endometrial carcinoma. Review status: no classification provided. Collection method: in vitro. Allele origin: not applicable. Functional consequence: retained intron. Not counted in ClinVar's aggregate classification.

NM_001042492.3(NF1):c.8376A>G (p.Pro2792=)

Gene: NF1 (neurofibromin 1; plus strand). Cytogenetic location: 17q11.2.
Variant type: single nucleotide variant.
Coding change: c.8376A>G on transcript NM_001042492.3 (MANE Select); coding-DNA position 8376, A replaced by G.
Protein change: p.Pro2792=; no amino-acid change (proline 2792 retained).
Molecular consequence: synonymous variant.
Genome position (GRCh38, 1-based): chr17:31,360,702, A>G. VCF-style: chr17-31360702-A-G. GRCh37 (hg19) VCF-style: chr17-29687720-A-G.
Other names: c.8313A>G, p.Pro2771= (NM_000267.4).
Identifiers: ClinVar variation 3657750 (VCV003657750.3).
Genomic context (GRCh38, chr17:31,360,702, plus strand): 5'-CACTGCCAACCTTAACCTTTCTAATTCCATGACCTCACTTGCAACTTCCCAGCATTCCCC[A>G]GGTCAGTAAATGTGATCTTTATATGACTTTGAGCAACAATATAAGACACCAACATTAGGA-3'
Protein context (NP_001035957.1, residues 2782-2802): MTSLATSQHS[Pro2792=]GIDKENVELS